The following is an entry in ClinVar:

ClinVar aggregate classification (germline): Likely benign (1 of 4 stars; one submission).

Allele frequency attached by ClinVar (database versions not stated): 1000 Genomes Project 30x 0.00593; 1000 Genomes Project 0.00599; gnomAD 0.00881 and 0.00886; TOPMed 0.00913.
gnomAD v4.1: 8,723 of 762,560 alleles (1.1%); highest among the groups gnomAD compares: Middle Eastern, 2.5%; 80 homozygotes.

Submission:

GeneDx
Classification: Likely benign. Last evaluated: 2018-06-14. Review status: criteria provided, single submitter. Criteria: GeneDx Variant Classification (06012015). Collection method: clinical testing. Allele origin: germline. Affected: yes.
Comment: This variant is considered likely benign or benign based on one or more of the following criteria: it is a conservative change, it occurs at a poorly conserved position in the protein, it is predicted to be benign by multiple in silico algorithms, and/or has population frequency not consistent with disease.

NM_000722.4(CACNA2D1):c.95+137C>T

Gene: CACNA2D1 (calcium voltage-gated channel auxiliary subunit alpha2delta 1; minus strand). Cytogenetic location: 7q21.11.
Variant type: single nucleotide variant.
Coding change: c.95+137C>T on transcript NM_000722.4 (MANE Select); 137 bases into the intron after coding-DNA position 95, C replaced by T.
Molecular consequence: intron variant.
Genome position (GRCh38, 1-based): chr7:82,443,228, G>A on the plus strand (C>T on the coding strand, the complement: CACNA2D1 is on the minus strand). VCF-style: chr7-82443228-G-A. GRCh37 (hg19) VCF-style: chr7-82072544-G-A.
Other names: c.95+137C>T (NM_001366867.1, NM_001302890.2).
Identifiers: ClinVar variation 678690 (VCV000678690.1), dbSNP rs143457262, ClinGen allele CA12513800.